The following is an entry in ClinVar:

ClinVar aggregate classification (germline): Uncertain significance (1 of 4 stars; one submission).

gnomAD v4.1: 17 of 1,532,850 alleles (0.0011%); highest among the groups gnomAD compares: Non-Finnish European, 0.0014%; no homozygotes.

Submission:

Labcorp Genetics (formerly Invitae), Labcorp
Classification: Uncertain significance. Last evaluated: 2024-10-17. Review status: criteria provided, single submitter. Criteria: Invitae Variant Classification Sherloc (09022015). Collection method: clinical testing. Allele origin: germline.
Comment: This sequence change replaces glutamine, which is neutral and polar, with proline, which is neutral and non-polar, at codon 2066 of the EYS protein (p.Gln2066Pro). This variant is not present in population databases (gnomAD no frequency). This variant has not been reported in the literature in individuals affected with EYS-related conditions. An algorithm developed to predict the effect of missense changes on protein structure and function outputs the following: PolyPhen-2: "Benign". The proline amino acid residue is found in multiple mammalian species, which suggests that this missense change does not adversely affect protein function. In summary, the available evidence is currently insufficient to determine the role of this variant in disease. Therefore, it has been classified as a Variant of Uncertain Significance.

NM_001142800.2(EYS):c.6197A>C (p.Gln2066Pro)

Gene: EYS (EGF-like photoreceptor maintenance factor; minus strand). Cytogenetic location: 6q12.
Variant type: single nucleotide variant.
Coding change: c.6197A>C on transcript NM_001142800.2 (MANE Select); coding-DNA position 6197, A replaced by C.
Protein change: p.Gln2066Pro; replaces glutamine 2066 with proline.
Molecular consequence: missense variant.
Genome position (GRCh38, 1-based): chr6:64,230,819, T>G on the plus strand (A>C on the coding strand, the complement: EYS is on the minus strand). VCF-style: chr6-64230819-T-G. GRCh37 (hg19) VCF-style: chr6-64940712-T-G.
Other names: c.6197A>C, p.Gln2066Pro (NM_001292009.2); short protein forms Q2066P.
Identifiers: ClinVar variation 3604576 (VCV003604576.2).